The following is an entry in ClinVar:

ClinVar aggregate classification (germline): Uncertain significance (1 of 4 stars; one submission).

Submission:

Labcorp Genetics (formerly Invitae), Labcorp
Classification: Uncertain significance. Last evaluated: 2022-10-18. Review status: criteria provided, single submitter. Criteria: Invitae Variant Classification Sherloc (09022015). Collection method: clinical testing. Allele origin: germline.
Comment: This sequence change replaces proline, which is neutral and non-polar, with alanine, which is neutral and non-polar, at codon 2571 of the HMCN1 protein (p.Pro2571Ala). This variant is not present in population databases (gnomAD no frequency). This variant has not been reported in the literature in individuals affected with HMCN1-related conditions. ClinVar contains an entry for this variant (Variation ID: 1489140). Algorithms developed to predict the effect of missense changes on protein structure and function (SIFT, PolyPhen-2, Align-GVGD) all suggest that this variant is likely to be disruptive. In summary, the available evidence is currently insufficient to determine the role of this variant in disease. Therefore, it has been classified as a Variant of Uncertain Significance.

NM_031935.3(HMCN1):c.7711C>G (p.Pro2571Ala)

Gene: HMCN1 (hemicentin 1; plus strand). Cytogenetic location: 1q31.1.
Variant type: single nucleotide variant.
Coding change: c.7711C>G on transcript NM_031935.3 (MANE Select); coding-DNA position 7711, C replaced by G.
Protein change: p.Pro2571Ala; replaces proline 2571 with alanine.
Molecular consequence: missense variant.
Genome position (GRCh38, 1-based): chr1:186,067,839, C>G. VCF-style: chr1-186067839-C-G. GRCh37 (hg19) VCF-style: chr1-186036971-C-G.
Other names: short protein forms P2571A.
Identifiers: ClinVar variation 1489140 (VCV001489140.6), dbSNP rs2102333727, ClinGen allele CA343908106.